The following is an entry in ClinVar:

NM_201550.4(LRRC10):c.469C>T (p.Arg157Cys)

Gene: LRRC10 (leucine rich repeat containing 10; minus strand). Cytogenetic location: 12q15.
Variant type: single nucleotide variant.
Coding change: c.469C>T on transcript NM_201550.4 (MANE Select); coding-DNA position 469, C replaced by T.
Protein change: p.Arg157Cys; replaces arginine 157 with cysteine.
Molecular consequence: missense variant.
Genome position (GRCh38, 1-based): chr12:69,610,370, G>A on the plus strand (C>T on the coding strand, the complement: LRRC10 is on the minus strand). VCF-style: chr12-69610370-G-A. GRCh37 (hg19) VCF-style: chr12-70004150-G-A.
Other names: short protein forms R157C.
Identifiers: ClinVar variation 572476 (VCV000572476.6), dbSNP rs201257055, ClinGen allele CA6681061.

ClinVar aggregate classification (germline): Uncertain significance (1 of 4 stars; one submission).

Allele frequency attached by ClinVar (database versions not stated): TOPMed 0.00006.

Submission:

Labcorp Genetics (formerly Invitae), Labcorp
Classification: Uncertain significance. Last evaluated: 2025-05-27. Review status: criteria provided, single submitter. Criteria: Invitae Variant Classification Sherloc (09022015). Collection method: clinical testing. Allele origin: germline.
Comment: This sequence change replaces arginine, which is basic and polar, with cysteine, which is neutral and slightly polar, at codon 157 of the LRRC10 protein (p.Arg157Cys). This variant is present in population databases (rs201257055, gnomAD 0.02%). This variant has not been reported in the literature in individuals affected with LRRC10-related conditions. ClinVar contains an entry for this variant (Variation ID: 572476). An algorithm developed to predict the effect of missense changes on protein structure and function (PolyPhen-2) suggests that this variant is likely to be tolerated. In summary, the available evidence is currently insufficient to determine the role of this variant in disease. Therefore, it has been classified as a Variant of Uncertain Significance.